The following is an entry in ClinVar:

NM_002335.4(LRP5):c.1739T>G (p.Val580Gly)

Gene: LRP5 (LDL receptor related protein 5; plus strand). Cytogenetic location: 11q13.2.
Variant type: single nucleotide variant.
Coding change: c.1739T>G on transcript NM_002335.4 (MANE Select); coding-DNA position 1739, T replaced by G.
Protein change: p.Val580Gly; replaces valine 580 with glycine.
Molecular consequence: missense variant. On other transcripts: 5 prime UTR variant (1).
Genome position (GRCh38, 1-based): chr11:68,403,637, T>G. VCF-style: chr11-68403637-T-G. GRCh37 (hg19) VCF-style: chr11-68171105-T-G.
Other names: c.-199T>G (NM_001291902.2); short protein forms V580G.
Identifiers: ClinVar variation 2723679 (VCV002723679.3), dbSNP rs2496699169, ClinGen allele CA381614532.

ClinVar aggregate classification (germline): Uncertain significance (1 of 4 stars; one submission).

Submission:

Labcorp Genetics (formerly Invitae), Labcorp
Classification: Uncertain significance. Last evaluated: 2023-08-10. Review status: criteria provided, single submitter. Criteria: Invitae Variant Classification Sherloc (09022015). Collection method: clinical testing. Allele origin: germline.
Comment: In summary, the available evidence is currently insufficient to determine the role of this variant in disease. Therefore, it has been classified as a Variant of Uncertain Significance. Advanced modeling of protein sequence and biophysical properties (such as structural, functional, and spatial information, amino acid conservation, physicochemical variation, residue mobility, and thermodynamic stability) has been performed at Invitae for this missense variant, however the output from this modeling did not meet the statistical confidence thresholds required to predict the impact of this variant on LRP5 protein function. This variant has not been reported in the literature in individuals affected with LRP5-related conditions. This variant is not present in population databases (gnomAD no frequency). This sequence change replaces valine, which is neutral and non-polar, with glycine, which is neutral and non-polar, at codon 580 of the LRP5 protein (p.Val580Gly).